The following is an entry in ClinVar:

NM_001371986.1(UNC80):c.1079G>A (p.Arg360Gln)

Gene: UNC80 (unc-80 homolog, NALCN channel complex subunit; plus strand). Cytogenetic location: 2q34.
Variant type: single nucleotide variant.
Coding change: c.1079G>A on transcript NM_001371986.1 (MANE Select); coding-DNA position 1079, G replaced by A.
Protein change: p.Arg360Gln; replaces arginine 360 with glutamine.
Molecular consequence: missense variant.
Genome position (GRCh38, 1-based): chr2:209,813,720, G>A. VCF-style: chr2-209813720-G-A. GRCh37 (hg19) VCF-style: chr2-210678444-G-A.
Other names: c.1079G>A, p.Arg360Gln (NM_032504.2, NM_182587.4); short protein forms R360Q.
Identifiers: ClinVar variation 1940340 (VCV001940340.2), dbSNP rs532329476, ClinGen allele CA2082898.

ClinVar aggregate classification (germline): Uncertain significance (1 of 4 stars; one submission).

gnomAD v4.1: 16 of 1,551,572 alleles (0.001%); highest among the groups gnomAD compares: African/African-American, 0.0041%; no homozygotes.

Submission:

Labcorp Genetics (formerly Invitae), Labcorp
Classification: Uncertain significance. Last evaluated: 2022-04-21. Review status: criteria provided, single submitter. Criteria: Invitae Variant Classification Sherloc (09022015). Collection method: clinical testing. Allele origin: germline.
Comment: This sequence change replaces arginine, which is basic and polar, with glutamine, which is neutral and polar, at codon 360 of the UNC80 protein (p.Arg360Gln). This variant is present in population databases (rs532329476, gnomAD 0.004%). This variant has not been reported in the literature in individuals affected with UNC80-related conditions. Algorithms developed to predict the effect of missense changes on protein structure and function are either unavailable or do not agree on the potential impact of this missense change (SIFT: "Not Available"; PolyPhen-2: "Possibly Damaging"; Align-GVGD: "Not Available"). In summary, the available evidence is currently insufficient to determine the role of this variant in disease. Therefore, it has been classified as a Variant of Uncertain Significance.